The following is an entry in ClinVar:

ClinVar aggregate classification (germline): Likely benign. Review status: criteria provided, multiple submitters, no conflicts (2 of 4 stars). 11 submissions from 11 submitters: Likely benign (11). Last evaluated 2026-09-21.

Conditions:
Progeroid and marfanoid aspect-lipodystrophy syndrome. Also called: MARFANOID-PROGEROID SYNDROME; MARFAN-PROGEROID-LIPODYSTROPHY SYNDROME; Marfan lipodystrophy syndrome; MARFANOID-PROGEROID-LIPODYSTROPHY SYNDROME. Identifiers: Orphanet 300382, MedGen C4310796, MONDO:0014831, OMIM 616914.
Geleophysic dysplasia 2 (GPHYSD2). Identifiers: Orphanet 2623, MedGen C3280054, MONDO:0013612, OMIM 614185.
Weill-Marchesani syndrome 2, dominant. Also called: Weill-Marchesani Syndrome, Autosomal Dominant; FBN1-Related Weill-Marchesani Syndrome. Identifiers: Orphanet 2084, MedGen C1869115, MONDO:0012013, OMIM 608328.
MASS syndrome (OCTD). Also called: MASS PHENOTYPE; OVERLAP CONNECTIVE TISSUE DISEASE. Identifiers: MedGen C1858556, MONDO:0011431, OMIM 604308.
Stiff skin syndrome (SSKS). Identifiers: Orphanet 2833, MedGen C1861456, MONDO:0008492, OMIM 184900.
Marfan syndrome (MFS). Also called: MARFAN SYNDROME, TYPE I; Marfan syndrome, classic; FBN1-Related Marfan Syndrome; Marfan syndrome type 1; Marfan's syndrome. Identifiers: Orphanet 284963, Orphanet 558, MedGen C0024796, MONDO:0007947, OMIM 154700.
Acromicric dysplasia (ACMICD). Also called: Acromicric skeletal dysplasia. Identifiers: Orphanet 969, MedGen C0265287, MONDO:0007055, OMIM 102370.
Ectopia lentis 1, isolated, autosomal dominant (ECTOL1). Identifiers: Orphanet 1885, MedGen C3541518, MONDO:0007514, OMIM 129600.
Familial thoracic aortic aneurysm and aortic dissection (TAAD). Also called: Thoracic aortic aneurysms and dissections. Identifiers: Orphanet 91387, MedGen C4707243, MONDO:0019625.

Allele frequency attached by ClinVar (database versions not stated): gnomAD 0.00003; TOPMed 0.00012; ESP Exome Variant Server 0.00008; ExAC 0.00011.
gnomAD v4.1: 111 of 1,613,986 alleles (0.0069%); highest among the groups gnomAD compares: African/African-American, 0.024%; no homozygotes.

Submissions (11):

Molecular Diagnostic Laboratory for Inherited Cardiovascular Disease, Montreal Heart Institute
Classification: Likely benign. Last evaluated: 2026-09-21. Review status: criteria provided, single submitter. Criteria: ACMG Guidelines, 2015. Collection method: clinical testing. Allele origin: germline. Affected: no.
Comment: BS1;BP7

Labcorp Genetics (formerly Invitae), Labcorp
Classification: Likely benign for Marfan syndrome; Familial thoracic aortic aneurysm and aortic dissection. Last evaluated: 2026-01-23. Review status: criteria provided, single submitter. Criteria: Invitae Variant Classification Sherloc (09022015). Collection method: clinical testing. Allele origin: germline.

ARUP Laboratories, Molecular Genetics and Genomics, ARUP Laboratories
Classification: Likely benign. Last evaluated: 2024-09-19. Review status: criteria provided, single submitter. Criteria: ARUP Molecular Germline Variant Investigation Process 2024. Collection method: clinical testing. Allele origin: germline.

All of Us Research Program, National Institutes of Health
Classification: Likely benign for Marfan syndrome. Last evaluated: 2024-01-12. Review status: criteria provided, single submitter. Criteria: ACMG Guidelines, 2015. Collection method: clinical testing. Allele origin: germline. Inheritance: Autosomal dominant inheritance. Observed: 26 variant alleles, 26 heterozygotes.
Comment: This study involves interpretation of variants in research participants for the purpose of population health screening. Participant phenotype was not available at the time of variant classification. Additional details can be found in publication PMID: 35346344, PMCID: PMC8962531

CeGaT Center for Human Genetics Tuebingen
Classification: Likely benign. Last evaluated: 2023-11-01. Review status: criteria provided, single submitter. Criteria: CeGaT Center For Human Genetics Tuebingen Variant Classification Criteria Version 2. Collection method: clinical testing. Allele origin: germline. Affected: yes. Observed: 1 variant allele.
Comment: FBN1: BP4, BP7

Blueprint Genetics
Classification: Likely benign. Last evaluated: 2022-04-28. Review status: criteria provided, single submitter. Criteria: ACMG Guidelines, 2015. Collection method: clinical testing. Allele origin: germline.

GeneDx
Classification: Likely benign. Last evaluated: 2021-10-27. Review status: criteria provided, single submitter. Criteria: GeneDx Variant Classification Process June 2021. Collection method: clinical testing. Allele origin: germline. Affected: yes.

Fulgent Genetics
Classification: Likely benign for Acromicric dysplasia; Ectopia lentis 1, isolated, autosomal dominant; Marfan syndrome; Stiff skin syndrome; MASS syndrome; Weill-Marchesani syndrome 2, dominant; Geleophysic dysplasia 2; Progeroid and marfanoid aspect-lipodystrophy syndrome. Last evaluated: 2021-09-28. Review status: criteria provided, single submitter. Criteria: ACMG Guidelines, 2015. Collection method: clinical testing. Allele origin: unknown.

Color Diagnostics, LLC DBA Color Health
Classification: Likely benign for Familial thoracic aortic aneurysm and aortic dissection. Last evaluated: 2018-11-03. Review status: criteria provided, single submitter. Criteria: ACMG Guidelines, 2015. Collection method: clinical testing. Allele origin: germline.

Ambry Genetics
Classification: Likely benign for Familial thoracic aortic aneurysm and aortic dissection. Last evaluated: 2016-01-12. Review status: criteria provided, single submitter. Criteria: Ambry Variant Classification Scheme 2023. Collection method: clinical testing. Allele origin: germline.

Women's Health and Genetics/Laboratory Corporation of America, LabCorp
Classification: Likely benign for Marfan Syndrome. Last evaluated: 2011-08-18. Review status: criteria provided, single submitter. Criteria: LabCorp Variant Classification Summary - May 2015. Collection method: curation. Allele origin: germline. Inheritance: autosomal unknown. Affected: yes.
ClinVar note: Converted during submission from likely benign to Likely benign.

NM_000138.5(FBN1):c.2658G>A (p.Pro886=)

Gene: FBN1 (fibrillin 1; minus strand). Cytogenetic location: 15q21.1.
Variant type: single nucleotide variant.
Coding change: c.2658G>A on transcript NM_000138.5 (MANE Select); coding-DNA position 2658, G replaced by A.
Protein change: p.Pro886=; no amino-acid change (proline 886 retained).
Molecular consequence: synonymous variant.
Genome position (GRCh38, 1-based): chr15:48,495,142, C>T on the plus strand (G>A on the coding strand, the complement: FBN1 is on the minus strand). VCF-style: chr15-48495142-C-T. GRCh37 (hg19) VCF-style: chr15-48787339-C-T.
Identifiers: ClinVar variation 36054 (VCV000036054.48), dbSNP rs193922192, ClinGen allele CA013267.